The following is an entry in ClinVar:

NM_000038.6(APC):c.2665A>G (p.Lys889Glu)

Gene: APC (APC regulator of Wnt signaling pathway; plus strand). Cytogenetic location: 5q22.2.
Variant type: single nucleotide variant.
Coding change: c.2665A>G on transcript NM_000038.6 (MANE Select); coding-DNA position 2665, A replaced by G.
Protein change: p.Lys889Glu; replaces lysine 889 with glutamic acid.
Molecular consequence: missense variant.
Genome position (GRCh38, 1-based): chr5:112,838,259, A>G. VCF-style: chr5-112838259-A-G. GRCh37 (hg19) VCF-style: chr5-112173956-A-G.
Other names: c.2665A>G, p.Lys889Glu (NM_001127510.3, NM_001354895.2, NM_001407450.1); c.2611A>G, p.Lys871Glu (NM_001127511.3); c.2719A>G, p.Lys907Glu (NM_001354896.2, NM_001407447.1, NM_001407448.1 and 1 more transcripts); c.2695A>G, p.Lys899Glu (NM_001354897.2); c.2590A>G, p.Lys864Glu (NM_001354898.2); c.2581A>G, p.Lys861Glu (NM_001354899.2); c.2542A>G, p.Lys848Glu (NM_001354900.2); c.2488A>G, p.Lys830Glu (NM_001354901.2, NM_001407453.1); and 11 more; short protein forms K505E, K830E, K861E, K879E, K882E, K760E, K763E, K788E.
Identifiers: ClinVar variation 1794488 (VCV001794488.3), dbSNP rs2149874828, ClinGen allele CA16027149.

ClinVar aggregate classification (germline): Uncertain significance. Review status: criteria provided, multiple submitters, no conflicts (2 of 4 stars). 2 submissions from 2 submitters: Uncertain significance (2). Last evaluated 2023-05-15.

Conditions:
Hereditary cancer-predisposing syndrome. Also called: Tumor predisposition; Hereditary Cancer Syndrome; Neoplastic Syndromes, Hereditary; Hereditary neoplastic syndrome. Identifiers: Orphanet 140162, MedGen C0027672, MeSH D009386, MONDO:0015356.
Classic or attenuated familial adenomatous polyposis. Identifiers: MedGen CN372698, MONDO:0021057.

Allele frequency attached by ClinVar (database versions not stated): gnomAD exomes below 0.00001.
gnomAD v4.1: 1 of 1,614,228 alleles (0.000062%); highest among the groups gnomAD compares: South Asian, 0.0011%; no homozygotes.

Submissions (2):

All of Us Research Program, National Institutes of Health
Classification: Uncertain significance for Classic or attenuated familial adenomatous polyposis. Last evaluated: 2023-05-15. Review status: criteria provided, single submitter. Criteria: ACMG Guidelines, 2015. Collection method: clinical testing. Allele origin: germline. Inheritance: Autosomal dominant inheritance. Observed: 1 variant allele, 1 heterozygote.
Comment: This missense variant replaces lysine with glutamic acid at codon 889 of the APC protein. Computational prediction suggests that this variant may not impact protein structure and function (internally defined REVEL score threshold <= 0.5, PMID: 27666373). To our knowledge, functional studies have not been reported for this variant. This variant has not been reported in individuals affected with APC-related disorders in the literature. This variant has not been identified in the general population by the Genome Aggregation Database (gnomAD). The available evidence is insufficient to determine the role of this variant in disease conclusively. Therefore, this variant is classified as a Variant of Uncertain Significance.

This study involves interpretation of variants in research participants for the purpose of population health screening. Participant phenotype was not available at the time of variant classification. Additional details can be found in publication PMID: 35346344, PMCID: PMC8962531

Ambry Genetics
Classification: Uncertain significance for Hereditary cancer-predisposing syndrome. Last evaluated: 2020-01-29. Review status: criteria provided, single submitter. Criteria: Ambry Variant Classification Scheme 2023. Collection method: clinical testing. Allele origin: germline.
Comment: The p.K889E variant (also known as c.2665A>G), located in coding exon 15 of the APC gene, results from an A to G substitution at nucleotide position 2665. The lysine at codon 889 is replaced by glutamic acid, an amino acid with similar properties. This amino acid position is not well conserved in available vertebrate species. In addition, in silico predictors for this gene do not accurately predict pathogenicity. Since supporting evidence is limited at this time, the clinical significance of this alteration remains unclear.